The following is an entry in ClinVar:

NM_005236.3(ERCC4):c.1066A>G (p.Lys356Glu)

Gene: ERCC4 (ERCC excision repair 4, endonuclease catalytic subunit; plus strand). Cytogenetic location: 16p13.12.
Variant type: single nucleotide variant.
Coding change: c.1066A>G on transcript NM_005236.3 (MANE Select); coding-DNA position 1066, A replaced by G.
Protein change: p.Lys356Glu; replaces lysine 356 with glutamic acid.
Molecular consequence: missense variant.
Genome position (GRCh38, 1-based): chr16:13,932,249, A>G. VCF-style: chr16-13932249-A-G. GRCh37 (hg19) VCF-style: chr16-14026106-A-G.
Other names: short protein forms K356E.
Identifiers: ClinVar variation 2946143 (VCV002946143.3), dbSNP rs772092631, ClinGen allele CA7910347.

ClinVar aggregate classification (germline): Uncertain significance (1 of 4 stars; one submission).

Conditions:
Xeroderma pigmentosum, group F (XPF). Also called: XERODERMA PIGMENTOSUM, COMPLEMENTATION GROUP F; XERODERMA PIGMENTOSUM VI; XP, GROUP F; ERCC4-Related Xeroderma Pigmentosum; XERODERMA PIGMENTOSUM, TYPE F; Xeroderma pigmentosum, type 6. Identifiers: MedGen C0268140, MONDO:0010215, OMIM 278760.
Fanconi anemia complementation group Q. Identifiers: Orphanet 84, MedGen C3808988, MONDO:0014108, OMIM 615272.
Cockayne syndrome. Identifiers: Orphanet 191, MedGen C0009207, MONDO:0016006.

Allele frequency attached by ClinVar (database versions not stated): gnomAD exomes below 0.00001; ExAC 0.00001.
gnomAD v4.1: 2 of 1,611,438 alleles (0.00012%); highest among the groups gnomAD compares: Non-Finnish European, 0.00017%; no homozygotes.

Submission:

Labcorp Genetics (formerly Invitae), Labcorp
Classification: Uncertain significance for Fanconi anemia complementation group Q; Xeroderma pigmentosum, group F; Cockayne syndrome. Last evaluated: 2024-04-29. Review status: criteria provided, single submitter. Criteria: Invitae Variant Classification Sherloc (09022015). Collection method: clinical testing. Allele origin: germline.
Comment: This sequence change replaces lysine, which is basic and polar, with glutamic acid, which is acidic and polar, at codon 356 of the ERCC4 protein (p.Lys356Glu). This variant is present in population databases (rs772092631, gnomAD 0.0009%). This variant has not been reported in the literature in individuals affected with ERCC4-related conditions. An algorithm developed to predict the effect of missense changes on protein structure and function (PolyPhen-2) suggests that this variant is likely to be tolerated. In summary, the available evidence is currently insufficient to determine the role of this variant in disease. Therefore, it has been classified as a Variant of Uncertain Significance.